The following is an entry in ClinVar:

ClinVar aggregate classification (germline): Uncertain significance. Review status: criteria provided, multiple submitters, no conflicts (2 of 4 stars). 4 submissions from 4 submitters: Uncertain significance (4). Last evaluated 2026-02-13.

Conditions:
Polycystic liver disease 4 with or without kidney cysts. Identifiers: MedGen C4693479, MONDO:0044327, OMIM 617875.
Exudative vitreoretinopathy 4 (EVR4). Identifiers: Orphanet 891, MedGen C1866176, MONDO:0011151, OMIM 601813.
Osteoporosis with pseudoglioma (OPPG). Also called: osteoporosis-pseudoglioma syndrome. Identifiers: Orphanet 2788, MedGen C0432252, MONDO:0009820, OMIM 259770.
Worth disease. Also called: Autosomal dominant osteosclerosis, Worth type; OSTEOSCLEROSIS, AUTOSOMAL DOMINANT; ENDOSTEAL HYPEROSTOSIS, AUTOSOMAL DOMINANT. Identifiers: Orphanet 2790, MedGen C0432273, MONDO:0007764, OMIM 144750.
Bone mineral density quantitative trait locus 1 (BMND1). Identifiers: MedGen C1866079, OMIM 601884.
Autosomal dominant osteopetrosis 1 (OPTA1). Also called: OSTEOPETROSIS, AUTOSOMAL DOMINANT, TYPE I. Identifiers: Orphanet 2783, MedGen C1843330, MONDO:0011877, OMIM 607634.
LRP5-related disorder. Also called: LRP5-related condition.

Allele frequency attached by ClinVar (database versions not stated): ExAC 0.00002; gnomAD exomes 0.00002 and 0.00011; gnomAD 0.00007; TOPMed 0.00009; ESP Exome Variant Server 0.00015.
gnomAD v4.1: 168 of 1,613,510 alleles (0.01%); highest among the groups gnomAD compares: Non-Finnish European, 0.014%; no homozygotes.

Submissions (4):

PreventionGenetics, part of Exact Sciences
Classification: Uncertain significance for LRP5-related condition. Last evaluated: 2026-02-13. Review status: criteria provided, single submitter. Criteria: ACMG Guidelines, 2015. Collection method: clinical testing. Allele origin: germline.
Comment: The LRP5 c.4090G>A variant is predicted to result in the amino acid substitution p.Gly1364Ser. This variant has been reported in an individual with retinal or optic nerve disease (Table S12, Diñeiro et al. 2020. PubMed ID: 32483926). This variant is reported in 0.0080% of alleles in individuals of African descent in gnomAD. At this time, the clinical significance of this variant is uncertain due to the absence of conclusive functional and genetic evidence.

Women's Health and Genetics/Laboratory Corporation of America, LabCorp
Classification: Uncertain significance. Last evaluated: 2025-12-09. Review status: criteria provided, single submitter. Criteria: LabCorp Variant Classification Summary - May 2015. Collection method: clinical testing. Allele origin: germline.
Comment: Variant summary: LRP5 c.4090G>A (p.Gly1364Ser) results in a non-conservative amino acid change in the encoded protein sequence. Algorithms developed to predict the effect of missense changes on protein structure and function all suggest that this variant is likely to be disruptive. The variant allele was found at a frequency of 2.4e-05 in 251120 control chromosomes (gnomAD). The available data on variant occurrences in the general population are insufficient to allow any conclusion about variant significance. c.4090G>A has been observed in at least one individual with clinical diagnosis of blindness (Dieiro_2020). The report does not provide unequivocal conclusions about association of the variant with Familial Exudative Vitreoretinopathy. To our knowledge, no experimental evidence demonstrating an impact on protein function has been reported. The following publication have been ascertained in the context of this evaluation (PMID: 32483926). ClinVar contains an entry for this variant (Variation ID: 1463868). Based on the evidence outlined above, the variant was classified as uncertain significance.

Labcorp Genetics (formerly Invitae), Labcorp
Classification: Uncertain significance. Last evaluated: 2025-09-02. Review status: criteria provided, single submitter. Criteria: Invitae Variant Classification Sherloc (09022015). Collection method: clinical testing. Allele origin: germline.
Comment: This sequence change replaces glycine, which is neutral and non-polar, with serine, which is neutral and polar, at codon 1364 of the LRP5 protein (p.Gly1364Ser). This variant is present in population databases (rs146404570, gnomAD 0.008%). This missense change has been observed in individual(s) with retinal/optic nerve disease (PMID: 32483926). ClinVar contains an entry for this variant (Variation ID: 1463868). Invitae Evidence Modeling of protein sequence and biophysical properties (such as structural, functional, and spatial information, amino acid conservation, physicochemical variation, residue mobility, and thermodynamic stability) indicates that this missense variant is not expected to disrupt LRP5 protein function with a negative predictive value of 95%. In summary, the available evidence is currently insufficient to determine the role of this variant in disease. Therefore, it has been classified as a Variant of Uncertain Significance.

Fulgent Genetics
Classification: Uncertain significance for Worth disease; Osteoporosis with pseudoglioma; Exudative vitreoretinopathy 4; Bone mineral density quantitative trait locus 1; Autosomal dominant osteopetrosis 1; Polycystic liver disease 4 with or without kidney cysts. Last evaluated: 2024-05-13. Review status: criteria provided, single submitter. Criteria: ACMG Guidelines, 2015. Collection method: clinical testing. Allele origin: germline.

Literature cited by the submitters: PubMed 32483926 (cited by Women's Health and Genetics/Laboratory Corporation of America, LabCorp and Labcorp Genetics (formerly Invitae), Labcorp).

NM_002335.4(LRP5):c.4090G>A (p.Gly1364Ser)

Gene: LRP5 (LDL receptor related protein 5; plus strand). Cytogenetic location: 11q13.2.
Variant type: single nucleotide variant.
Coding change: c.4090G>A on transcript NM_002335.4 (MANE Select); coding-DNA position 4090, G replaced by A.
Protein change: p.Gly1364Ser; replaces glycine 1364 with serine.
Molecular consequence: missense variant.
Genome position (GRCh38, 1-based): chr11:68,436,978, G>A. VCF-style: chr11-68436978-G-A. GRCh37 (hg19) VCF-style: chr11-68204446-G-A.
Other names: c.4090G>A (NM_002335.3); c.2347G>A, p.Gly783Ser (NM_001291902.2); short protein forms G783S, G1364S.
Identifiers: ClinVar variation 1463868 (VCV001463868.11), dbSNP rs146404570, ClinGen allele CA6150229.